The following is an entry in ClinVar:

ClinVar aggregate classification (germline): Uncertain significance (1 of 4 stars; one submission).

Conditions:
Aortic aneurysm, familial thoracic 4 (AAT4). Also called: AORTIC ANEURYSM/AORTIC DISSECTION AND PATENT DUCTUS ARTERIOSUS. Identifiers: MedGen C1851504, MONDO:0007568, OMIM 132900.

Submission:

Labcorp Genetics (formerly Invitae), Labcorp
Classification: Uncertain significance for Aortic aneurysm, familial thoracic 4. Last evaluated: 2024-06-17. Review status: criteria provided, single submitter. Criteria: Invitae Variant Classification Sherloc (09022015). Collection method: clinical testing. Allele origin: germline.
Comment: This sequence change replaces arginine, which is basic and polar, with leucine, which is neutral and non-polar, at codon 1352 of the MYH11 protein (p.Arg1352Leu). This variant is not present in population databases (gnomAD no frequency). This variant has not been reported in the literature in individuals affected with MYH11-related conditions. Advanced modeling of protein sequence and biophysical properties (such as structural, functional, and spatial information, amino acid conservation, physicochemical variation, residue mobility, and thermodynamic stability) performed at Invitae indicates that this missense variant is not expected to disrupt MYH11 protein function with a negative predictive value of 95%. In summary, the available evidence is currently insufficient to determine the role of this variant in disease. Therefore, it has been classified as a Variant of Uncertain Significance.

NM_002474.3(MYH11):c.4034G>T (p.Arg1345Leu)

Genes: MYH11 (myosin heavy chain 11; minus strand), NDE1 (nudE neurodevelopment protein 1; plus strand). Cytogenetic location: 16p13.11.
Variant type: single nucleotide variant.
Coding change: c.4034G>T on transcript NM_002474.3 (MANE Select); coding-DNA position 4034, G replaced by T.
Protein change: p.Arg1345Leu; replaces arginine 1345 with leucine.
Molecular consequence: missense variant. On other transcripts: 3 prime UTR variant (2).
Genome position (GRCh38, 1-based): chr16:15,724,729, C>A on the plus strand (G>T on the coding strand, the complement: MYH11 is on the minus strand). VCF-style: chr16-15724729-C-A. GRCh37 (hg19) VCF-style: chr16-15818586-C-A.
Other names: c.4034G>T, p.Arg1345Leu (NM_022844.3); c.*478C>A (NM_001143979.2, NM_017668.3); c.4055G>T, p.Arg1352Leu (NM_001040113.2, NM_001040114.2); short protein forms R1352L, R1345L.
Identifiers: ClinVar variation 3669522 (VCV003669522.2).